The following is an entry in ClinVar:

NM_000424.4(KRT5):c.*185G>A

Gene: KRT5 (keratin 5; minus strand). Cytogenetic location: 12q13.13.
Variant type: single nucleotide variant.
Coding change: c.*185G>A on transcript NM_000424.4 (MANE Select); 185 bases downstream of the stop codon, G replaced by A.
Molecular consequence: 3 prime UTR variant.
Genome position (GRCh38, 1-based): chr12:52,514,757, C>T on the plus strand (G>A on the coding strand, the complement: KRT5 is on the minus strand). VCF-style: chr12-52514757-C-T. GRCh37 (hg19) VCF-style: chr12-52908541-C-T.
Identifiers: ClinVar variation 309551 (VCV000309551.6), dbSNP rs11549960, ClinGen allele CA10641872.

ClinVar aggregate classification (germline): Benign. Review status: criteria provided, multiple submitters, no conflicts (2 of 4 stars). 2 submissions from 2 submitters: Benign (2). Last evaluated 2018-01-13.

Conditions:
Epidermolysis bullosa simplex. Also called: Epidermolysis bullosa simplex, Weber-Cockayne type (subtype); Epidermolysis bullosa simplex, Dowling-Meara type (subtype); Epidermolysis bullosa simplex with mottled pigmentation (subtype). Identifiers: Orphanet 304, MedGen C0079298, MONDO:0017610.

Allele frequency attached by ClinVar (database versions not stated): TOPMed 0.02470; 1000 Genomes Project 0.03215; 1000 Genomes Project 30x 0.03232; gnomAD exomes 0.01031; gnomAD 0.01969.

Submissions (2):

Illumina Laboratory Services, Illumina
Classification: Benign for Epidermolysis bullosa simplex. Last evaluated: 2018-01-13. Review status: criteria provided, single submitter. Criteria: ICSL Variant Classification Criteria 13 December 2019. Collection method: clinical testing. Allele origin: germline.
Comment: This variant was observed in the ICSL laboratory as part of a predisposition screen in an ostensibly healthy population. It had not been previously curated by ICSL or reported in the Human Gene Mutation Database (HGMD: prior to June 1st, 2018), and was therefore a candidate for classification through an automated scoring system. Utilizing variant allele frequency, disease prevalence and penetrance estimates, and inheritance mode, an automated score was calculated to assess if this variant is too frequent to cause the disease. Based on the score and internal cut-off values, a variant classified as benign is not then subjected to further curation. The score for this variant resulted in a classification of benign for this disease.

Breakthrough Genomics
Classification: Benign. Review status: criteria provided, single submitter. Criteria: ACMG Guidelines, 2015. Collection method: not provided. Allele origin: germline. Inheritance: Autosomal recessive inheritance. Affected: yes.